The following is an entry in ClinVar:

NM_152384.3(BBS5):c.208+10T>C

Gene: BBS5 (Bardet-Biedl syndrome 5; plus strand). Cytogenetic location: 2q31.1.
Variant type: single nucleotide variant.
Coding change: c.208+10T>C on transcript NM_152384.3 (MANE Select); 10 bases into the intron after coding-DNA position 208, T replaced by C.
Molecular consequence: intron variant.
Genome position (GRCh38, 1-based): chr2:169,487,144, T>C. VCF-style: chr2-169487144-T-C. GRCh37 (hg19) VCF-style: chr2-170343654-T-C.
Identifiers: ClinVar variation 4998512 (VCV004998512.1).

ClinVar aggregate classification (germline): Likely benign (1 of 4 stars; one submission).

Conditions:
BBS5-related disorder. Also called: BBS5-related condition.

Submission:

PreventionGenetics, part of Exact Sciences
Classification: Likely benign for BBS5-related condition. Last evaluated: 2025-07-15. Review status: criteria provided, single submitter. Criteria: ACMG Guidelines, 2015. Collection method: clinical testing. Allele origin: germline.
Comment: This variant is classified as likely benign based on ACMG/AMP sequence variant interpretation guidelines (Richards et al. 2015 PMID: 25741868, with internal and published modifications).